The following is an entry in ClinVar:

NM_000268.4(NF2):c.448-1G>A

Gene: NF2 (NF2, moesin-ezrin-radixin like (MERLIN) tumor suppressor; plus strand). Cytogenetic location: 22q12.2.
Variant type: single nucleotide variant.
Coding change: c.448-1G>A on transcript NM_000268.4 (MANE Select); the canonical splice acceptor site of the intron before coding-DNA position 448, G replaced by A.
Molecular consequence: splice acceptor variant. On other transcripts: intron variant (1).
Genome position (GRCh38, 1-based): chr22:29,654,656, G>A. VCF-style: chr22-29654656-G-A. GRCh37 (hg19) VCF-style: chr22-30050645-G-A.
Other names: c.325-1G>A (NM_001407062.1, NM_001407058.1, NM_181829.3 and 1 more transcripts); c.322-1G>A (NM_181828.3, NM_001407055.1); c.199-1G>A (NM_001407063.1, NM_181830.3, NM_001407064.1 and 1 more transcripts); c.448-1G>A (NM_001407066.1, NM_181825.3, NM_016418.5 and 4 more transcripts); c.334-1G>A (NM_001407056.1, NM_001407053.1); c.217-1G>A (NM_001407067.1); c.-193-1G>A (NM_001407065.1); c.447+12371G>A (NM_181833.3).
Identifiers: ClinVar variation 1319646 (VCV001319646.8), dbSNP rs2146966216, ClinGen allele CA411142101.
Genomic context (GRCh38, chr22:29,654,656, plus strand): 5'-GTTCAGAAATGGCAGTTATCTTTAGAATCTCAATCGCCTGCTCTCCCTTTCTTCTTTCCA[G>A]TATGGTGACTACGACCCCAGTGTTCACAAGCGGGGATTTTTGGCCCAAGAGGAATTGCTT-3'

ClinVar aggregate classification (germline): Pathogenic. Review status: criteria provided, multiple submitters, no conflicts (2 of 4 stars). 3 submissions from 3 submitters: Pathogenic (3). Last evaluated 2024-12-02.

Conditions:
SMARCB1-related schwannomatosis. Also called: SWNTS1; Schwannomatosis 1. Identifiers: Orphanet 93921, MedGen C4048809, MONDO:0024517, OMIM 162091. Disease mechanism: loss of function.
Neurofibromatosis, type 2 (SWNV). Also called: SCHWANNOMATOSIS, VESTIBULAR; BILATERAL ACOUSTIC NEUROFIBROMATOSIS; NF2-Related Schwannomatosis. Identifiers: Orphanet 637, MedGen C0027832, MONDO:0007039, OMIM 101000. Disease mechanism: loss of function.

Submissions (3):

Labcorp Genetics (formerly Invitae), Labcorp
Classification: Pathogenic for Neurofibromatosis, type 2. Last evaluated: 2024-12-02. Review status: criteria provided, single submitter. Criteria: Invitae Variant Classification Sherloc (09022015). Collection method: clinical testing. Allele origin: germline.
Comment: This sequence change affects an acceptor splice site in intron 4 of the NF2 gene. It is expected to disrupt RNA splicing. Variants that disrupt the donor or acceptor splice site typically lead to a loss of protein function (PMID: 16199547), and loss-of-function variants in NF2 are known to be pathogenic (PMID: 9643284, 16983642). This variant is not present in population databases (gnomAD no frequency). Disruption of this splice site has been observed in individuals with NF2-related conditions (PMID: 8882871). ClinVar contains an entry for this variant (Variation ID: 1319646). Algorithms developed to predict the effect of sequence changes on RNA splicing suggest that this variant may disrupt the consensus splice site. For these reasons, this variant has been classified as Pathogenic.

Victorian Clinical Genetics Services, Murdoch Childrens Research Institute
Classification: Pathogenic for Neurofibromatosis, type 2. Last evaluated: 2023-12-21. Review status: criteria provided, single submitter. Criteria: ACMG Guidelines, 2015. Collection method: clinical testing. Allele origin: germline. Inheritance: Autosomal dominant inheritance. Affected: yes.
Comment: Based on the classification scheme VCGS_Germline_v1.3.4, this variant is classified as Pathogenic. Following criteria are met: 0102 - Loss of function is a known mechanism of disease in this gene and is associated with vestibular schwannomatosis (MIM#101000), which is also known as neurofibromatosis type 2. (I) 0107 - This gene is associated with autosomal dominant disease. (I) 0209 - Splice site variant proven to affect splicing of the transcript with uncertain effect on protein sequence. Aberrant splicing was shown using cDNA generated from the leukocyte RNA sample from an affected individual (PMID: 21563229). This includes a deletion of the first 20bp of exon 5, which is expected to result in a frameshift and NMD is predicted. Several other PCR products were also detected suggesting other splicing outcomes may also be present, however they were not investigated further by the authors. (SP) 0251 - This variant is heterozygous. (I) 0301 - Variant is absent from gnomAD (both v2 and v3). (SP) 0802 - This variant has moderate previous evidence of pathogenicity in unrelated individuals. It has been reported in multiple individuals with neurofibromatosis type 2 (PMIDs: 8882871, 18406647, 34273915). It has also been reported as pathogenic by clinical laboratories (ClinVar). (SP) 1208 - Inheritance information for this variant is not currently available in this individual. (I) Legend: (SP) - Supporting pathogenic, (I) - Information, (SB) - Supporting benign

Genetics and Molecular Pathology, SA Pathology
Classification: Pathogenic for SMARCB1-related schwannomatosis. Last evaluated: 2020-03-16. Review status: criteria provided, single submitter. Criteria: ACMG Guidelines, 2015. Collection method: clinical testing. Allele origin: germline. Inheritance: Autosomal dominant inheritance. Affected: yes.

Literature cited by the submitters: PubMed 16199547 (cited by Labcorp Genetics (formerly Invitae), Labcorp); PubMed 9643284 (cited by Labcorp Genetics (formerly Invitae), Labcorp); PubMed 16983642 (cited by Labcorp Genetics (formerly Invitae), Labcorp); PubMed 8882871 (cited by Labcorp Genetics (formerly Invitae), Labcorp and Victorian Clinical Genetics Services, Murdoch Childrens Research Institute); PubMed 18406647 (cited by Victorian Clinical Genetics Services, Murdoch Childrens Research Institute); PubMed 21563229 (cited by Victorian Clinical Genetics Services, Murdoch Childrens Research Institute); PubMed 34273915 (cited by Victorian Clinical Genetics Services, Murdoch Childrens Research Institute).